The following is an entry in ClinVar:

ClinVar aggregate classification (germline): Uncertain significance. Review status: criteria provided, multiple submitters, no conflicts (2 of 4 stars). 2 submissions from 2 submitters: Uncertain significance (2). Last evaluated 2025-09-16.

Conditions:
Hereditary cancer-predisposing syndrome. Also called: Hereditary Cancer Syndrome; Hereditary neoplastic syndrome; Neoplastic Syndromes, Hereditary; Tumor predisposition. Identifiers: Orphanet 140162, MedGen C0027672, MeSH D009386, MONDO:0015356.
BAP1-related tumor predisposition syndrome (TPDS1). Also called: COMMON Syndrome; TUMOR PREDISPOSITION SYNDROME 1; BAP1 tumor predisposition syndrome; Tumor susceptibility linked to germline BAP1 mutations. Identifiers: Orphanet 289539, MedGen C3280492, MONDO:0013692, OMIM 614327.

Allele frequency attached by ClinVar (database versions not stated): ExAC 0.00001.
gnomAD v4.1: 1 of 1,614,026 alleles (0.000062%); highest among the groups gnomAD compares: Admixed American, 0.0017%; no homozygotes.

Submissions (2):

Labcorp Genetics (formerly Invitae), Labcorp
Classification: Uncertain significance for BAP1-related tumor predisposition syndrome. Last evaluated: 2025-09-16. Review status: criteria provided, single submitter. Criteria: Invitae Variant Classification Sherloc (09022015). Collection method: clinical testing. Allele origin: germline.
Comment: This sequence change replaces proline, which is neutral and non-polar, with serine, which is neutral and polar, at codon 328 of the BAP1 protein (p.Pro328Ser). This variant is present in population databases (rs760860535, gnomAD 0.003%). This variant has not been reported in the literature in individuals affected with BAP1-related conditions. ClinVar contains an entry for this variant (Variation ID: 1768337). Invitae Evidence Modeling of protein sequence and biophysical properties (such as structural, functional, and spatial information, amino acid conservation, physicochemical variation, residue mobility, and thermodynamic stability) indicates that this missense variant is not expected to disrupt BAP1 protein function with a negative predictive value of 80%. In summary, the available evidence is currently insufficient to determine the role of this variant in disease. Therefore, it has been classified as a Variant of Uncertain Significance.

Ambry Genetics
Classification: Uncertain significance for Hereditary cancer-predisposing syndrome. Last evaluated: 2024-02-20. Review status: criteria provided, single submitter. Criteria: Ambry Variant Classification Scheme 2023. Collection method: clinical testing. Allele origin: germline.
Comment: The p.P328S variant (also known as c.982C>T), located in coding exon 11 of the BAP1 gene, results from a C to T substitution at nucleotide position 982. The proline at codon 328 is replaced by serine, an amino acid with similar properties. This amino acid position is well conserved in available vertebrate species. In addition, this alteration is predicted to be tolerated by in silico analysis. Since supporting evidence is limited at this time, the clinical significance of this alteration remains unclear.

NM_004656.4(BAP1):c.982C>T (p.Pro328Ser)

Gene: BAP1 (BRCA1 associated deubiquitinase 1; minus strand). Cytogenetic location: 3p21.1.
Variant type: single nucleotide variant.
Coding change: c.982C>T on transcript NM_004656.4 (MANE Select); coding-DNA position 982, C replaced by T.
Protein change: p.Pro328Ser; replaces proline 328 with serine.
Molecular consequence: missense variant.
Genome position (GRCh38, 1-based): chr3:52,405,244, G>A on the plus strand (C>T on the coding strand, the complement: BAP1 is on the minus strand). VCF-style: chr3-52405244-G-A. GRCh37 (hg19) VCF-style: chr3-52439260-G-A.
Other names: c.928C>T, p.Pro310Ser (NM_001410772.1); short protein forms P310S, P328S.
Identifiers: ClinVar variation 1768337 (VCV001768337.3), dbSNP rs760860535, ClinGen allele CA2436945.
Genomic context (GRCh38, chr3:52,405,244, plus strand): 5'-GGTGAACCCCATTGAGGCTGCTGCCTGGAGGCTTCACCACTAGCTTGGGTTTGTTGGGAG[G>A]GCTGTGGGATGGGGCTTGTGCGCATGAACCAGCCGCCTCCTCTGCACCATCTGAGACAGG-3'
Protein context (NP_004647.1, residues 318-338): GSCAQAPSHS[Pro328Ser]PNKPKLVVKP